The following is an entry in ClinVar:

NM_000204.5(CFI):c.1238A>G (p.Asp413Gly)

Gene: CFI (complement factor I; minus strand). Cytogenetic location: 4q25.
Variant type: single nucleotide variant.
Coding change: c.1238A>G on transcript NM_000204.5 (MANE Select); coding-DNA position 1238, A replaced by G.
Protein change: p.Asp413Gly; replaces aspartic acid 413 with glycine.
Molecular consequence: missense variant. On other transcripts: non-coding transcript variant (2).
Genome position (GRCh38, 1-based): chr4:109,746,413, T>C on the plus strand (A>G on the coding strand, the complement: CFI is on the minus strand). VCF-style: chr4-109746413-T-C. GRCh37 (hg19) VCF-style: chr4-110667569-T-C.
Other names: c.1262A>G, p.Asp421Gly (NM_001318057.2, NM_001375278.1); c.1217A>G, p.Asp406Gly (NM_001331035.2, NM_001375280.1, NM_001375282.1); c.1238A>G, p.Asp413Gly (NM_001375279.1, NM_001375281.1); c.1181A>G, p.Asp394Gly (NM_001375283.1); c.629A>G, p.Asp210Gly (NM_001375284.1); short protein forms D394G, D406G, D413G, D421G, D210G.
Identifiers: ClinVar variation 3021807 (VCV003021807.3), dbSNP rs1356348481, ClinGen allele CA357857409.
Genomic context (GRCh38, chr4:109,746,413, plus strand): 5'-ATCAAAGCGATGTCATTTTGGTAAGTGCCTGCATTGTAGTTTTCATGGAAAATAATTCTA[T>C]CCACGTATTCAATTACTATACGTTTAAGGTCGGGGTGTATCCAGTCTACTACTGTTGTCC-3'
Protein context (NP_000195.3, residues 403-423): DLKRIVIEYV[Asp413Gly]RIIFHENYNA

ClinVar aggregate classification (germline): Uncertain significance (1 of 4 stars; one submission).

Allele frequency attached by ClinVar (database versions not stated): gnomAD exomes below 0.00001; TOPMed below 0.00001.
gnomAD v4.1: 1 of 1,614,052 alleles (0.000062%); highest among the groups gnomAD compares: Non-Finnish European, 0.000085%; no homozygotes.

Submission:

Labcorp Genetics (formerly Invitae), Labcorp
Classification: Uncertain significance. Last evaluated: 2023-11-18. Review status: criteria provided, single submitter. Criteria: Invitae Variant Classification Sherloc (09022015). Collection method: clinical testing. Allele origin: germline.
Comment: This sequence change replaces aspartic acid, which is acidic and polar, with glycine, which is neutral and non-polar, at codon 413 of the CFI protein (p.Asp413Gly). This variant is not present in population databases (gnomAD no frequency). This variant has not been reported in the literature in individuals affected with CFI-related conditions. Advanced modeling of protein sequence and biophysical properties (such as structural, functional, and spatial information, amino acid conservation, physicochemical variation, residue mobility, and thermodynamic stability) performed at Invitae indicates that this missense variant is not expected to disrupt CFI protein function with a negative predictive value of 80%. In summary, the available evidence is currently insufficient to determine the role of this variant in disease. Therefore, it has been classified as a Variant of Uncertain Significance.